The following is an entry in ClinVar:

ClinVar aggregate classification (germline): Uncertain significance (1 of 4 stars; one submission).

Conditions:
Noonan syndrome (NS). Also called: Noonan's syndrome. Identifiers: Orphanet 648, MedGen C0028326, MeSH D009634, MONDO:0018997. Disease mechanism: gain of function.

gnomAD v4.1: 5 of 1,487,674 alleles (0.00034%); highest among the groups gnomAD compares: South Asian, 0.0051%; no homozygotes.

Submission:

Victorian Clinical Genetics Services, Murdoch Childrens Research Institute
Classification: Uncertain significance for Noonan syndrome. Last evaluated: 2020-05-21. Review status: criteria provided, single submitter. Criteria: ACMG Guidelines, 2015. Collection method: clinical testing. Allele origin: germline. Inheritance: Autosomal dominant inheritance.
Comment: Based on the classification scheme VCGS_Germline_v1.1.1, this variant is classified as VUS-3C. Following criteria are met: 0105 - The mechanism of disease for this gene is not clearly established. (N) 0107 - This gene is known to be associated with autosomal dominant disease (ClinVar, PMID: 24705357). (N) 0200 - Variant is predicted to result in a missense amino acid change from arginine to tryptophan (exon 1). (N) 0302 - Variant is present in a region of low coverage in gnomAD <0.001 for a dominant condition (3 heterozygotes, 0 homozygotes). (P) 0503 - Missense variant consistently predicted to be tolerated or not conserved in mammals with a minor amino acid change. (B) 0504 - Same amino acid change has been observed in mammals. (B) 0604 - Variant is not located in an established domain, motif, hotspot or informative constraint region. (N) 0705 - No comparable variants have previous evidence for pathogenicity. (N) 0807 - Variant has not previously been reported in a clinical context. (N) 0905 - No segregation evidence has been identified for this variant. (N) 1007 - No published functional evidence has been identified for this variant. (N) Legend: (P) - Pathogenic, (N) - Neutral, (B) - Benign

Literature cited by the submitters: PubMed 24705357.

NM_006270.5(RRAS):c.43C>T (p.Arg15Trp)

Gene: RRAS (RAS related; minus strand). Cytogenetic location: 19q13.33.
Variant type: single nucleotide variant.
Coding change: c.43C>T on transcript NM_006270.5 (MANE Select); coding-DNA position 43, C replaced by T.
Protein change: p.Arg15Trp; replaces arginine 15 with tryptophan.
Molecular consequence: missense variant.
Genome position (GRCh38, 1-based): chr19:49,640,056, G>A on the plus strand (C>T on the coding strand, the complement: RRAS is on the minus strand). VCF-style: chr19-49640056-G-A. GRCh37 (hg19) VCF-style: chr19-50143313-G-A.
Other names: short protein forms R15W.
Identifiers: ClinVar variation 1805320 (VCV001805320.1), dbSNP rs544651800, ClinGen allele CA9579175.